The following is an entry in ClinVar:

NM_021930.6(RINT1):c.566C>T (p.Ser189Phe)

Gene: RINT1 (RAD50 interactor 1; plus strand). Cytogenetic location: 7q22.3.
Variant type: single nucleotide variant.
Coding change: c.566C>T on transcript NM_021930.6 (MANE Select); coding-DNA position 566, C replaced by T.
Protein change: p.Ser189Phe; replaces serine 189 with phenylalanine.
Molecular consequence: missense variant. On other transcripts: 5 prime UTR variant (2), non-coding transcript variant (1), intron variant (1).
Genome position (GRCh38, 1-based): chr7:105,546,960, C>T. VCF-style: chr7-105546960-C-T. GRCh37 (hg19) VCF-style: chr7-105187407-C-T.
Other names: c.332C>T, p.Ser111Phe (NM_001346599.2); c.-454C>T (NM_001346600.2); c.-357C>T (NM_001346601.2); c.-27-3095C>T (NM_001346603.2); short protein forms S111F, S189F.
Identifiers: ClinVar variation 4863314 (VCV004863314.1).

ClinVar aggregate classification (germline): Uncertain significance (1 of 4 stars; one submission).

gnomAD v4.1: 3 of 1,613,612 alleles (0.00019%); highest among the groups gnomAD compares: Middle Eastern, 0.016%; no homozygotes.

Submission:

Ambry Genetics
Classification: Uncertain significance. Last evaluated: 2026-04-13. Review status: criteria provided, single submitter. Criteria: Ambry Variant Classification Scheme 2023. Collection method: clinical testing. Allele origin: germline.
Comment: The p.S189F variant (also known as c.566C>T), located in coding exon 5 of the RINT1 gene, results from a C to T substitution at nucleotide position 566. The serine at codon 189 is replaced by phenylalanine, an amino acid with highly dissimilar properties. This amino acid position is conserved. In addition, this alteration is predicted to be tolerated by in silico analysis. Based on the available evidence, the clinical significance of this variant remains unclear.